The following is an entry in ClinVar:

NM_018979.4(WNK1):c.2139+2819_2139+2828del

Gene: WNK1 (WNK lysine deficient protein kinase 1; plus strand). Cytogenetic location: 12p13.33.
Variant type: Deletion.
Coding change: c.2139+2819_2139+2828del on transcript NM_018979.4 (MANE Select); bases 2819 to 2828 of the intron after coding-DNA position 2139, 10 bases deleted (GTGTGTTTGT; older notation c.2139+2819_2139+2828delGTGTGTTTGT).
Molecular consequence: intron variant.
Genome position (GRCh38, 1-based): chr12:865,089-865,098, GTGTGTTTGT deleted; deleting any 10 consecutive bases within chr12:865,086-865,098 gives the same sequence; the c. name uses the placement nearest the transcript's 3' end. VCF-style (leftmost placement, unchanged base first): chr12-865085-ATGTGTGTGTT-A. GRCh37 (hg19) VCF-style: chr12-974251-ATGTGTGTGTT-A.
Other names: c.2140-21_2140-12del (NM_213655.5); c.2140-2777_2140-2768del (NM_001184985.2); c.2139+2819_2139+2828del (NM_014823.3).
Identifiers: ClinVar variation 1517492 (VCV001517492.6), dbSNP rs2154068913, ClinGen allele CA2573148495.

ClinVar aggregate classification (germline): Uncertain significance (1 of 4 stars; one submission).

Conditions:
Neuropathy, hereditary sensory and autonomic, type 2A (HSAN2A). Also called: HSAN IIA; ACROOSTEOLYSIS, GIACCAI TYPE; ACROOSTEOLYSIS, NEUROGENIC; MORVAN DISEASE; NEUROPATHY, CONGENITAL SENSORY; NEUROPATHY, HEREDITARY SENSORY RADICULAR, AUTOSOMAL RECESSIVE. Identifiers: Orphanet 970, MedGen C2752089, MONDO:0024309, OMIM 201300.
Pseudohypoaldosteronism type 2C (PHA2C). Also called: Pseudohypoaldosteronism Type IIC. Identifiers: Orphanet 757, Orphanet 88940, MedGen C1840391, MONDO:0013778, OMIM 614492.

Submission:

Labcorp Genetics (formerly Invitae), Labcorp
Classification: Uncertain significance for Neuropathy, hereditary sensory and autonomic, type 2A; Pseudohypoaldosteronism type 2C. Last evaluated: 2021-08-24. Review status: criteria provided, single submitter. Criteria: Invitae Variant Classification Sherloc (09022015). Collection method: clinical testing. Allele origin: germline.
Comment: In summary, the available evidence is currently insufficient to determine the role of this variant in disease. Therefore, it has been classified as a Variant of Uncertain Significance. Experimental studies and prediction algorithms are not available or were not evaluated, and the effect of this variant on mRNA splicing is currently unknown. This variant has not been reported in the literature in individuals affected with WNK1-related conditions. The frequency data for this variant in the population databases is considered unreliable, as metrics indicate insufficient coverage at this position in the ExAC database. This sequence change falls in intron 8 of the WNK1 gene. It does not directly change the encoded amino acid sequence of the WNK1 protein.